The following is an entry in ClinVar:

NM_000135.4(FANCA):c.827-3C>T

Gene: FANCA (FA complementation group A; minus strand). Cytogenetic location: 16q24.3.
Variant type: single nucleotide variant.
Coding change: c.827-3C>T on transcript NM_000135.4 (MANE Select); 3 bases into the intron before coding-DNA position 827, C replaced by T.
Molecular consequence: intron variant.
Genome position (GRCh38, 1-based): chr16:89,799,235, G>A on the plus strand (C>T on the coding strand, the complement: FANCA is on the minus strand). VCF-style: chr16-89799235-G-A. GRCh37 (hg19) VCF-style: chr16-89865643-G-A.
Other names: c.827-3C>T (NM_001286167.3, NM_001018112.3); c.731-3C>T (NM_001351830.2).
Identifiers: ClinVar variation 2182103 (VCV002182103.1), dbSNP rs2040355838, ClinGen allele CA2241930716.

ClinVar aggregate classification (germline): Uncertain significance (1 of 4 stars; one submission).

Conditions:
Fanconi anemia (FA). Also called: Fanconi's anemia. Identifiers: Orphanet 84, MedGen C0015625, MeSH D005199, MONDO:0019391.

Allele frequency attached by ClinVar (database versions not stated): gnomAD exomes below 0.00001.
gnomAD v4.1: 1 of 1,613,928 alleles (0.000062%); highest among the groups gnomAD compares: Non-Finnish European, 0.000085%; no homozygotes.

Submission:

Labcorp Genetics (formerly Invitae), Labcorp
Classification: Uncertain significance for Fanconi anemia. Last evaluated: 2022-07-03. Review status: criteria provided, single submitter. Criteria: Invitae Variant Classification Sherloc (09022015). Collection method: clinical testing. Allele origin: germline.
Comment: This sequence change falls in intron 9 of the FANCA gene. It does not directly change the encoded amino acid sequence of the FANCA protein. It affects a nucleotide within the consensus splice site. This variant is not present in population databases (gnomAD no frequency). This variant has not been reported in the literature in individuals affected with FANCA-related conditions. Variants that disrupt the consensus splice site are a relatively common cause of aberrant splicing (PMID: 17576681, 9536098). Algorithms developed to predict the effect of sequence changes on RNA splicing suggest that this variant is not likely to affect RNA splicing. In summary, the available evidence is currently insufficient to determine the role of this variant in disease. Therefore, it has been classified as a Variant of Uncertain Significance.

Literature cited by the submitters: PubMed 17576681; PubMed 9536098.